The following is an entry in ClinVar:

ClinVar aggregate classification (germline): Uncertain significance (1 of 4 stars; one submission).

Conditions:
Early-infantile DEE. Also called: Early infantile epileptic encephalopathy with suppression bursts; Early infantile epileptic encephalopathy; Ohtahara syndrome. Identifiers: Orphanet 1934, MedGen C0393706, MONDO:0800491.

Allele frequency attached by ClinVar (database versions not stated): TOPMed 0.00001.

Submission:

Labcorp Genetics (formerly Invitae), Labcorp
Classification: Uncertain significance for Early-infantile DEE. Last evaluated: 2022-06-22. Review status: criteria provided, single submitter. Criteria: Invitae Variant Classification Sherloc (09022015). Collection method: clinical testing. Allele origin: germline.
Comment: This sequence change affects codon 420 of the CACNA2D2 mRNA. It is a 'silent' change, meaning that it does not change the encoded amino acid sequence of the CACNA2D2 protein. This variant also falls at the last nucleotide of exon 12, which is part of the consensus splice site for this exon. This variant is not present in population databases (gnomAD no frequency). This variant has been observed in individual(s) with clinical features of CACNA2D2-related conditions (PMID: 33798445). Variants that disrupt the consensus splice site are a relatively common cause of aberrant splicing (PMID: 17576681, 9536098). Algorithms developed to predict the effect of sequence changes on RNA splicing suggest that this variant may disrupt the consensus splice site. In summary, the available evidence is currently insufficient to determine the role of this variant in disease. Therefore, it has been classified as a Variant of Uncertain Significance.

Literature cited by the submitters: PubMed 33798445; PubMed 17576681; PubMed 9536098.

NM_006030.4(CACNA2D2):c.1260G>A (p.Thr420=)

Gene: CACNA2D2 (calcium voltage-gated channel auxiliary subunit alpha2delta 2; minus strand). Cytogenetic location: 3p21.31.
Variant type: single nucleotide variant.
Coding change: c.1260G>A on transcript NM_006030.4 (MANE Select); coding-DNA position 1260, G replaced by A.
Protein change: p.Thr420=; no amino-acid change (threonine 420 retained).
Molecular consequence: synonymous variant.
Genome position (GRCh38, 1-based): chr3:50,379,092, C>T on the plus strand (G>A on the coding strand, the complement: CACNA2D2 is on the minus strand). VCF-style: chr3-50379092-C-T. GRCh37 (hg19) VCF-style: chr3-50416523-C-T.
Other names: c.1260G>A, p.Thr420= (NM_001005505.3, NM_001174051.3, NM_001410768.1); c.1053G>A, p.Thr351= (NM_001291101.1).
Identifiers: ClinVar variation 2192706 (VCV002192706.4), dbSNP rs1705155362, ClinGen allele CA433701060.
Genomic context (GRCh38, chr3:50,379,092, plus strand): 5'-GACAGCCCTCTTCTGTACTGGGCCCAGGTCAGGGTAGCCCCTGCCTCGGTTGAGCCTCAC[C>T]GTCCGGTTTGGCCAATTGTACTTCTCAAAGACGTCCTGCACGCGGTCCTCACCACCATCC-3'
Protein context (NP_006021.2, residues 410-430): VFEKYNWPNR[Thr420=]VRVFTFSVGQ